The following is an entry in ClinVar:

ClinVar aggregate classification (germline): Uncertain significance (1 of 4 stars; one submission).

Allele frequency attached by ClinVar (database versions not stated): TOPMed 0.00001; gnomAD 0.00002 and 0.00003; 1000 Genomes Project 0.00020; 1000 Genomes Project 30x 0.00031.
gnomAD v4.1: 4 of 1,577,958 alleles (0.00025%); highest among the groups gnomAD compares: Non-Finnish European, 0.00034%; no homozygotes.

Submission:

Labcorp Genetics (formerly Invitae), Labcorp
Classification: Uncertain significance. Last evaluated: 2021-02-16. Review status: criteria provided, single submitter. Criteria: Invitae Variant Classification Sherloc (09022015). Collection method: clinical testing. Allele origin: germline.
Comment: The frequency data for this variant in the population databases is considered unreliable, as metrics indicate poor data quality at this position in the ExAC database. In summary, the available evidence is currently insufficient to determine the role of this variant in disease. Therefore, it has been classified as a Variant of Uncertain Significance. Algorithms developed to predict the effect of missense changes on protein structure and function are either unavailable or do not agree on the potential impact of this missense change (SIFT: "Deleterious"; PolyPhen-2: "Possibly Damaging"; Align-GVGD: "Class C0"). This variant has not been reported in the literature in individuals with WHRN-related conditions. This sequence change replaces serine with phenylalanine at codon 571 of the WHRN protein (p.Ser571Phe). The serine residue is moderately conserved and there is a large physicochemical difference between serine and phenylalanine.

NM_015404.4(WHRN):c.1712C>T (p.Ser571Phe)

Gene: WHRN (whirlin; minus strand). Cytogenetic location: 9q32.
Variant type: single nucleotide variant.
Coding change: c.1712C>T on transcript NM_015404.4 (MANE Select); coding-DNA position 1712, C replaced by T.
Protein change: p.Ser571Phe; replaces serine 571 with phenylalanine.
Molecular consequence: missense variant.
Genome position (GRCh38, 1-based): chr9:114,406,879, G>A on the plus strand (C>T on the coding strand, the complement: WHRN is on the minus strand). VCF-style: chr9-114406879-G-A. GRCh37 (hg19) VCF-style: chr9-117169159-G-A.
Other names: c.563C>T, p.Ser188Phe (NM_001083885.3); c.1712C>T, p.Ser571Phe (NM_001173425.2); c.659C>T, p.Ser220Phe (NM_001346890.1); short protein forms S188F, S571F, S220F.
Identifiers: ClinVar variation 1510685 (VCV001510685.8), dbSNP rs200908854, ClinGen allele CA5205828.